The following is an entry in ClinVar:

NM_004525.3(LRP2):c.7873G>C (p.Gly2625Arg)

Gene: LRP2 (LDL receptor related protein 2; minus strand). Cytogenetic location: 2q31.1.
Variant type: single nucleotide variant.
Coding change: c.7873G>C on transcript NM_004525.3 (MANE Select); coding-DNA position 7873, G replaced by C.
Protein change: p.Gly2625Arg; replaces glycine 2625 with arginine.
Molecular consequence: missense variant.
Genome position (GRCh38, 1-based): chr2:169,204,114, C>G on the plus strand (G>C on the coding strand, the complement: LRP2 is on the minus strand). VCF-style: chr2-169204114-C-G. GRCh37 (hg19) VCF-style: chr2-170060624-C-G.
Other names: short protein forms G2625R.
Identifiers: ClinVar variation 2084672 (VCV002084672.7), dbSNP rs769254915, ClinGen allele CA1953988.
Genomic context (GRCh38, chr2:169,204,114, plus strand): 5'-TCACAACAGTGTTGATTCCCCTGGGCTGGGAGAGCAAATTTGTGGTCATTGCAATCTGAC[C>G]TGACCCGTCATATTTGTTAGCTCGGTAAATTCTTTGTGTGTACAAGTCAGTCCAGTAAAT-3'
Protein context (NP_004516.2, residues 2615-2635): IYRANKYDGS[Gly2625Arg]QIAMTTNLLS

ClinVar aggregate classification (germline): Uncertain significance. Review status: criteria provided, multiple submitters, no conflicts (2 of 4 stars). 4 submissions from 4 submitters: Uncertain significance (4). Last evaluated 2025-01-18.

Conditions:
Inborn genetic diseases. Identifiers: MedGen C0950123, MeSH D030342.
Donnai-Barrow syndrome. Also called: DBS/FOAR SYNDROME; FACIOOCULOACOUSTICORENAL SYNDROME. Identifiers: Orphanet 2143, MedGen C1857277, MONDO:0009104, OMIM 222448.

Allele frequency attached by ClinVar (database versions not stated): TOPMed below 0.00001; ExAC 0.00001; gnomAD 0.00001; gnomAD exomes 0.00001.
gnomAD v4.1: 6 of 1,614,028 alleles (0.00037%); highest among the groups gnomAD compares: Admixed American, 0.01%; no homozygotes.

Submissions (4):

Ambry Genetics
Classification: Uncertain significance for Inborn genetic diseases. Last evaluated: 2025-01-18. Review status: criteria provided, single submitter. Criteria: Ambry Variant Classification Scheme 2023. Collection method: clinical testing. Allele origin: germline.

Labcorp Genetics (formerly Invitae), Labcorp
Classification: Uncertain significance. Last evaluated: 2024-07-26. Review status: criteria provided, single submitter. Criteria: Invitae Variant Classification Sherloc (09022015). Collection method: clinical testing. Allele origin: germline.
Comment: This sequence change replaces glycine, which is neutral and non-polar, with arginine, which is basic and polar, at codon 2625 of the LRP2 protein (p.Gly2625Arg). This variant is present in population databases (rs769254915, gnomAD 0.009%). This variant has not been reported in the literature in individuals affected with LRP2-related conditions. ClinVar contains an entry for this variant (Variation ID: 2084672). Advanced modeling of protein sequence and biophysical properties (such as structural, functional, and spatial information, amino acid conservation, physicochemical variation, residue mobility, and thermodynamic stability) performed at Invitae indicates that this missense variant is not expected to disrupt LRP2 protein function with a negative predictive value of 80%. In summary, the available evidence is currently insufficient to determine the role of this variant in disease. Therefore, it has been classified as a Variant of Uncertain Significance.

Fulgent Genetics
Classification: Uncertain significance for Donnai-Barrow syndrome. Last evaluated: 2024-03-11. Review status: criteria provided, single submitter. Criteria: ACMG Guidelines, 2015. Collection method: clinical testing. Allele origin: germline.

Blueprint Genetics
Classification: Uncertain significance. Last evaluated: 2022-03-28. Review status: criteria provided, single submitter. Criteria: ACMG Guidelines, 2015. Collection method: clinical testing. Allele origin: germline.